The following is an entry in ClinVar:

ClinVar aggregate classification (germline): Uncertain significance. Review status: criteria provided, multiple submitters, no conflicts (2 of 4 stars). 2 submissions from 2 submitters: Uncertain significance (2). Last evaluated 2025-08-11.

Conditions:
Cardiovascular phenotype. Identifiers: MedGen CN230736.

Submissions (2):

Ambry Genetics
Classification: Uncertain significance for Cardiovascular phenotype. Last evaluated: 2025-08-11. Review status: criteria provided, single submitter. Criteria: Ambry Variant Classification Scheme 2023. Collection method: clinical testing. Allele origin: germline.

Labcorp Genetics (formerly Invitae), Labcorp
Classification: Uncertain significance. Last evaluated: 2025-03-27. Review status: criteria provided, single submitter. Criteria: Invitae Variant Classification Sherloc (09022015). Collection method: clinical testing. Allele origin: germline.
Comment: This sequence change replaces histidine, which is basic and polar, with glutamine, which is neutral and polar, at codon 353 of the APOA5 protein (p.His353Gln). This variant is not present in population databases (gnomAD no frequency). This variant has not been reported in the literature in individuals affected with APOA5-related conditions. An algorithm developed to predict the effect of missense changes on protein structure and function (PolyPhen-2) suggests that this variant is likely to be tolerated. In summary, the available evidence is currently insufficient to determine the role of this variant in disease. Therefore, it has been classified as a Variant of Uncertain Significance.

NM_001371904.1(APOA5):c.1059C>A (p.His353Gln)

Gene: APOA5 (apolipoprotein A5; minus strand). Cytogenetic location: 11q23.3.
Variant type: single nucleotide variant.
Coding change: c.1059C>A on transcript NM_001371904.1 (MANE Select); coding-DNA position 1059, C replaced by A.
Protein change: p.His353Gln; replaces histidine 353 with glutamine.
Molecular consequence: missense variant.
Genome position (GRCh38, 1-based): chr11:116,790,170, G>T on the plus strand (C>A on the coding strand, the complement: APOA5 is on the minus strand). VCF-style: chr11-116790170-G-T. GRCh37 (hg19) VCF-style: chr11-116660886-G-T.
Other names: c.1059C>A, p.His353Gln (NM_001166598.2, NM_052968.5); short protein forms H353Q.
Identifiers: ClinVar variation 4124197 (VCV004124197.2).